The following is an entry in ClinVar:

NM_177438.3(DICER1):c.3759T>C (p.Asp1253=)

Gene: DICER1 (dicer 1, ribonuclease III; minus strand). Cytogenetic location: 14q32.13.
Variant type: single nucleotide variant.
Coding change: c.3759T>C on transcript NM_177438.3 (MANE Select); coding-DNA position 3759, T replaced by C.
Protein change: p.Asp1253=; no amino-acid change (aspartic acid 1253 retained).
Molecular consequence: synonymous variant.
Genome position (GRCh38, 1-based): chr14:95,103,637, A>G on the plus strand (T>C on the coding strand, the complement: DICER1 is on the minus strand). VCF-style: chr14-95103637-A-G. GRCh37 (hg19) VCF-style: chr14-95569974-A-G.
Other names: c.3759T>C, p.Asp1253= (NM_001195573.1, NM_001271282.3, NM_001291628.2 and 1 more transcripts).
Identifiers: ClinVar variation 1137449 (VCV001137449.13), dbSNP rs2139960423, ClinGen allele CA487844468.

ClinVar aggregate classification (germline): Benign/Likely benign. Review status: criteria provided, multiple submitters, no conflicts (2 of 4 stars). 3 submissions from 3 submitters: Benign (1); Likely benign (2). Last evaluated 2026-04-17.

Conditions:
DICER1-related tumor predisposition. Also called: DICER1 syndrome; DICER1-related pleuropulmonary blastoma cancer predisposition syndrome. Identifiers: Orphanet 284343, MedGen C3839822, MONDO:0100216.
Hereditary cancer-predisposing syndrome. Also called: Neoplastic Syndromes, Hereditary; Tumor predisposition; Hereditary Cancer Syndrome; Hereditary neoplastic syndrome. Identifiers: Orphanet 140162, MedGen C0027672, MeSH D009386, MONDO:0015356.

Allele frequency attached by ClinVar (database versions not stated): gnomAD 0.00001; gnomAD exomes 0.00001.
gnomAD v4.1: 7 of 1,614,100 alleles (0.00043%); highest among the groups gnomAD compares: East Asian, 0.013%; no homozygotes.

Submissions (3):

Myriad Genetics, Inc.
Classification: Benign for DICER1-related tumor predisposition. Last evaluated: 2026-04-17. Review status: criteria provided, single submitter. Criteria: Myriad Autosomal Dominant, Autosomal Recessive and X-Linked Classification Criteria (2023). Collection method: clinical testing. Allele origin: unknown.
Comment: This variant is considered benign. This variant is a silent/synonymous amino acid change and it is not expected to impact splicing.

Labcorp Genetics (formerly Invitae), Labcorp
Classification: Likely benign for DICER1-related tumor predisposition. Last evaluated: 2024-10-19. Review status: criteria provided, single submitter. Criteria: Invitae Variant Classification Sherloc (09022015). Collection method: clinical testing. Allele origin: germline.

Ambry Genetics
Classification: Likely benign for Hereditary cancer-predisposing syndrome. Last evaluated: 2022-06-27. Review status: criteria provided, single submitter. Criteria: Ambry Variant Classification Scheme 2023. Collection method: clinical testing. Allele origin: germline.